The following is an entry in ClinVar:

NM_004519.4(KCNQ3):c.1880G>C (p.Arg627Thr)

Gene: KCNQ3 (potassium voltage-gated channel subfamily Q member 3; minus strand). Cytogenetic location: 8q24.22.
Variant type: single nucleotide variant.
Coding change: c.1880G>C on transcript NM_004519.4 (MANE Select); coding-DNA position 1880, G replaced by C.
Protein change: p.Arg627Thr; replaces arginine 627 with threonine.
Molecular consequence: missense variant.
Genome position (GRCh38, 1-based): chr8:132,132,184, C>G on the plus strand (G>C on the coding strand, the complement: KCNQ3 is on the minus strand). VCF-style: chr8-132132184-C-G. GRCh37 (hg19) VCF-style: chr8-133144431-C-G.
Other names: c.1520G>C, p.Arg507Thr (NM_001204824.2); short protein forms R507T, R627T.
Identifiers: ClinVar variation 2816818 (VCV002816818.3), dbSNP rs2536863452, ClinGen allele CA372217668.

ClinVar aggregate classification (germline): Uncertain significance (1 of 4 stars; one submission).

Conditions:
Benign neonatal seizures. Also called: Benign neonatal familial convulsions; Benign familial neonatal epilepsy; Convulsions benign familial neonatal dominant form; Autosomal dominant form of benign neonatal seizures; Benign familial neonatal seizures. Identifiers: Orphanet 1949, MedGen C0220669, MONDO:0016027.

Submission:

Labcorp Genetics (formerly Invitae), Labcorp
Classification: Uncertain significance for Benign neonatal seizures. Last evaluated: 2023-12-10. Review status: criteria provided, single submitter. Criteria: Invitae Variant Classification Sherloc (09022015). Collection method: clinical testing. Allele origin: germline.
Comment: This sequence change replaces arginine, which is basic and polar, with threonine, which is neutral and polar, at codon 627 of the KCNQ3 protein (p.Arg627Thr). This variant is not present in population databases (gnomAD no frequency). This variant has not been reported in the literature in individuals affected with KCNQ3-related conditions. Advanced modeling of protein sequence and biophysical properties (such as structural, functional, and spatial information, amino acid conservation, physicochemical variation, residue mobility, and thermodynamic stability) performed at Invitae indicates that this missense variant is not expected to disrupt KCNQ3 protein function with a negative predictive value of 80%. In summary, the available evidence is currently insufficient to determine the role of this variant in disease. Therefore, it has been classified as a Variant of Uncertain Significance.